The following is an entry in ClinVar:

NM_133259.4(LRPPRC):c.1253A>G (p.Asn418Ser)

Gene: LRPPRC (leucine rich pentatricopeptide repeat containing; minus strand). Cytogenetic location: 2p21.
Variant type: single nucleotide variant.
Coding change: c.1253A>G on transcript NM_133259.4 (MANE Select); coding-DNA position 1253, A replaced by G.
Protein change: p.Asn418Ser; replaces asparagine 418 with serine.
Molecular consequence: missense variant.
Genome position (GRCh38, 1-based): chr2:43,973,803, T>C on the plus strand (A>G on the coding strand, the complement: LRPPRC is on the minus strand). VCF-style: chr2-43973803-T-C. GRCh37 (hg19) VCF-style: chr2-44200942-T-C.
Other names: p.N418S:AAT>AGT; short protein forms N418S.
Identifiers: ClinVar variation 214585 (VCV000214585.6), dbSNP rs373908553, ClinGen allele CA323597.

ClinVar aggregate classification (germline): Conflicting classifications of pathogenicity. Review status: criteria provided, conflicting classifications (1 of 4 stars). 4 submissions from 4 submitters: Uncertain significance (3); Likely benign (1). Last evaluated 2024-05-20.

Conditions:
Inborn genetic diseases. Identifiers: MedGen C0950123, MeSH D030342.
Congenital lactic acidosis, Saguenay-Lac-Saint-Jean type (MC4DN5). Also called: CYTOCHROME c OXIDASE DEFICIENCY, FRENCH CANADIAN TYPE; COX DEFICIENCY, FRENCH CANADIAN TYPE; MITOCHONDRIAL COMPLEX IV DEFICIENCY, NUCLEAR TYPE 5. Identifiers: Orphanet 70472, MedGen C1857355, MONDO:0009069, OMIM 220111.

Allele frequency attached by ClinVar (database versions not stated): ESP Exome Variant Server 0.00008; gnomAD 0.00010; TOPMed 0.00010.
gnomAD v4.1: 138 of 1,613,354 alleles (0.0086%); highest among the groups gnomAD compares: Admixed American, 0.012%; no homozygotes.

Submissions (4):

Labcorp Genetics (formerly Invitae), Labcorp
Classification: Uncertain significance. Last evaluated: 2024-05-20. Review status: criteria provided, single submitter. Criteria: Invitae Variant Classification Sherloc (09022015). Collection method: clinical testing. Allele origin: germline.
Comment: This sequence change replaces asparagine, which is neutral and polar, with serine, which is neutral and polar, at codon 418 of the LRPPRC protein (p.Asn418Ser). This variant is present in population databases (rs373908553, gnomAD 0.02%). This variant has not been reported in the literature in individuals affected with LRPPRC-related conditions. ClinVar contains an entry for this variant (Variation ID: 214585). Advanced modeling of protein sequence and biophysical properties (such as structural, functional, and spatial information, amino acid conservation, physicochemical variation, residue mobility, and thermodynamic stability) performed at Invitae indicates that this missense variant is not expected to disrupt LRPPRC protein function with a negative predictive value of 80%. In summary, the available evidence is currently insufficient to determine the role of this variant in disease. Therefore, it has been classified as a Variant of Uncertain Significance.

Revvity Omics, Revvity
Classification: Uncertain significance for Congenital lactic acidosis, Saguenay-Lac-Saint-Jean type. Last evaluated: 2023-12-20. Review status: criteria provided, single submitter. Criteria: ACMG Guidelines, 2015. Collection method: clinical testing. Allele origin: germline.

Ambry Genetics
Classification: Uncertain significance for Inborn genetic diseases. Last evaluated: 2022-11-14. Review status: criteria provided, single submitter. Criteria: Ambry Variant Classification Scheme 2023. Collection method: clinical testing. Allele origin: germline.

GeneDx
Classification: Likely benign. Last evaluated: 2014-06-09. Review status: criteria provided, single submitter. Criteria: GeneDx Variant Classification (06012015). Collection method: clinical testing. Allele origin: germline. Affected: yes.
Comment: This variant is considered likely benign or benign based on one or more of the following criteria: it is a conservative change, it occurs at a poorly conserved position in the protein, it is predicted to be benign by multiple in silico algorithms, and/or has population frequency not consistent with disease.